The following is an entry in ClinVar:

ClinVar aggregate classification (germline): Uncertain significance. Review status: criteria provided, multiple submitters, no conflicts (2 of 4 stars). 2 submissions from 2 submitters: Uncertain significance (2). Last evaluated 2022-11-22.

Conditions:
Saldino-Mainzer syndrome (SRTD9). Also called: Renal dysplasia, retinal pigmentary dystrophy, cerebellar ataxia and skeletal dysplasia; SHORT-RIB THORACIC DYSPLASIA 9 WITHOUT POLYDACTYLY; CONORENAL SYNDROME; short-rib thoracic dysplasia 9 with or without polydactyly. Identifiers: Orphanet 140969, MedGen C1849437, MONDO:0009964, OMIM 266920.

Submissions (2):

Labcorp Genetics (formerly Invitae), Labcorp
Classification: Uncertain significance for Saldino-Mainzer syndrome. Last evaluated: 2022-11-22. Review status: criteria provided, single submitter. Criteria: Invitae Variant Classification Sherloc (09022015). Collection method: clinical testing. Allele origin: germline.
Comment: This sequence change replaces threonine, which is neutral and polar, with alanine, which is neutral and non-polar, at codon 82 of the IFT140 protein (p.Thr82Ala). In summary, the available evidence is currently insufficient to determine the role of this variant in disease. Therefore, it has been classified as a Variant of Uncertain Significance. Advanced modeling of protein sequence and biophysical properties (such as structural, functional, and spatial information, amino acid conservation, physicochemical variation, residue mobility, and thermodynamic stability) performed at Invitae indicates that this missense variant is not expected to disrupt IFT140 protein function. ClinVar contains an entry for this variant (Variation ID: 960390). This variant has not been reported in the literature in individuals affected with IFT140-related conditions. This variant is not present in population databases (gnomAD no frequency).

Blueprint Genetics
Classification: Uncertain significance. Last evaluated: 2020-09-01. Review status: criteria provided, single submitter. Criteria: ACMG Guidelines, 2015. Collection method: clinical testing. Allele origin: germline.

NM_014714.4(IFT140):c.244A>G (p.Thr82Ala)

Genes: IFT140 (intraflagellar transport 140; minus strand), LOC105371046 (uncharacterized LOC105371046; plus strand). Cytogenetic location: 16p13.3.
Variant type: single nucleotide variant.
Coding change: c.244A>G on transcript NM_014714.4 (MANE Select); coding-DNA position 244, A replaced by G.
Protein change: p.Thr82Ala; replaces threonine 82 with alanine.
Molecular consequence: missense variant.
Genome position (GRCh38, 1-based): chr16:1,602,495, T>C on the plus strand (A>G on the coding strand, the complement: IFT140 is on the minus strand). VCF-style: chr16-1602495-T-C. GRCh37 (hg19) VCF-style: chr16-1652496-T-C.
Other names: short protein forms T82A.
Identifiers: ClinVar variation 960390 (VCV000960390.10), dbSNP rs2035846064, ClinGen allele CA394223190.
Genomic context (GRCh38, chr16:1,602,495, plus strand): 5'-GTGTCAGGGGCATCGTGTGCTGCTCCTTGTCCTGCTTGTTAAACACCGTCACTTCTCCAG[T>C]CTCCCAGCCCACAGCCAGCACCAGCCGCGTCGGGTGCCAGCACAGGGAAGCAACCCGGAA-3'
Protein context (NP_055529.2, residues 72-92): TRLVLAVGWE[Thr82Ala]GEVTVFNKQD